The following is an entry in ClinVar:

ClinVar aggregate classification (germline): Uncertain significance (1 of 4 stars; one submission).

Conditions:
Gamma-aminobutyric acid transaminase deficiency (GABATD). Also called: GABA transaminase deficiency; Gamma aminobutyrate transaminase deficiency; 4 alpha aminobutyrate transaminase deficiency; GABA aminotransaminase deficiency. Identifiers: Orphanet 2066, MedGen C0342708, MONDO:0013166, OMIM 613163.

Allele frequency attached by ClinVar (database versions not stated): gnomAD exomes below 0.00001 and 0.00004; TOPMed 0.00002; ExAC 0.00003; 1000 Genomes Project 30x 0.00016; 1000 Genomes Project 0.00020.
gnomAD v4.1: 5 of 1,610,360 alleles (0.00031%); highest among the groups gnomAD compares: East Asian, 0.011%; no homozygotes.

Submission:

Labcorp Genetics (formerly Invitae), Labcorp
Classification: Uncertain significance for Gamma-aminobutyric acid transaminase deficiency. Last evaluated: 2025-05-27. Review status: criteria provided, single submitter. Criteria: Invitae Variant Classification Sherloc (09022015). Collection method: clinical testing. Allele origin: germline.
Comment: This sequence change falls in intron 5 of the ABAT gene. It does not directly change the encoded amino acid sequence of the ABAT protein. It affects a nucleotide within the consensus splice site. This variant is present in population databases (rs376810382, gnomAD 0.05%). This variant has not been reported in the literature in individuals affected with ABAT-related conditions. ClinVar contains an entry for this variant (Variation ID: 1506525). Variants that disrupt the consensus splice site are a relatively common cause of aberrant splicing (PMID: 17576681, 9536098). Algorithms developed to predict the effect of sequence changes on RNA splicing suggest that this variant is not likely to affect RNA splicing. In summary, the available evidence is currently insufficient to determine the role of this variant in disease. Therefore, it has been classified as a Variant of Uncertain Significance.

Literature cited by the submitters: PubMed 17576681; PubMed 9536098.

NM_020686.6(ABAT):c.316+3A>G

Gene: ABAT (4-aminobutyrate aminotransferase; plus strand). Cytogenetic location: 16p13.2.
Variant type: single nucleotide variant.
Coding change: c.316+3A>G on transcript NM_020686.6 (MANE Select); 3 bases into the intron after coding-DNA position 316, A replaced by G.
Molecular consequence: intron variant.
Genome position (GRCh38, 1-based): chr16:8,750,542, A>G. VCF-style: chr16-8750542-A-G. GRCh37 (hg19) VCF-style: chr16-8844399-A-G.
Other names: c.316+3A>G (NM_001386602.1, NM_001386615.1, NM_001386609.1 and 11 more transcripts); c.181+3A>G (NM_001386610.1, NM_001386611.1, NM_001386612.1 and 1 more transcripts); c.71-7215A>G (NM_001386614.1).
Identifiers: ClinVar variation 1506525 (VCV001506525.6), dbSNP rs376810382, ClinGen allele CA7893042.